The following is an entry in ClinVar:

NM_001302371.3(NBPF10):c.4138G>C (p.Glu1380Gln)

Gene: NBPF10 (NBPF member 10; minus strand). Cytogenetic location: 1q21.1.
Variant type: single nucleotide variant.
Coding change: c.4138G>C on transcript NM_001302371.3 (MANE Select); coding-DNA position 4138, G replaced by C.
Protein change: p.Glu1380Gln; replaces glutamic acid 1380 with glutamine.
Molecular consequence: missense variant.
Genome position (GRCh38, 1-based): chr1:146,112,138, C>G on the plus strand (G>C on the coding strand, the complement: NBPF10 is on the minus strand). VCF-style: chr1-146112138-C-G. GRCh37 (hg19) VCF-style: chr1-145326040-G-C.
Other names: c.4138G>C, p.Glu1380Gln (NM_001039703.6); short protein forms E1380Q.
Identifiers: ClinVar variation 2639095 (VCV002639095.24), dbSNP rs781922025, ClinGen allele CA1052314.
Genomic context (GRCh38, chr1:146,112,138, plus strand): 5'-CACGCTGTTGCTCCAATACATAAAAGGCACTTCTGTAGGGCTGGCATGAGTCAGTCAGTT[C>G]AAGACAACCTGAAGGAGTTGAATAACATCTATCCAGTGAGTCCTGCAAGACTTCAGGCCC-3'
Protein context (NP_001289300.1, residues 1370-1390): RCYSTPSGCL[Glu1380Gln]LTDSCQPYRS

ClinVar aggregate classification (germline): Likely benign (1 of 4 stars; one submission).

Submission:

CeGaT Center for Human Genetics Tuebingen
Classification: Likely benign. Last evaluated: 2023-12-01. Review status: criteria provided, single submitter. Criteria: CeGaT Center For Human Genetics Tuebingen Variant Classification Criteria Version 2. Collection method: clinical testing. Allele origin: germline. Affected: yes. Observed: 2 variant alleles.
Comment: NBPF10: BP4, BS2